The following is an entry in ClinVar:

ClinVar aggregate classification (germline): Uncertain significance (1 of 4 stars; one submission).

Submission:

Ambry Genetics
Classification: Uncertain significance. Last evaluated: 2024-11-21. Review status: criteria provided, single submitter. Criteria: Ambry Variant Classification Scheme 2023. Collection method: clinical testing. Allele origin: germline.
Comment: The p.G125C variant (also known as c.373G>T), located in coding exon 1 of the WNK2 gene, results from a G to T substitution at nucleotide position 373. The glycine at codon 125 is replaced by cysteine, an amino acid with highly dissimilar properties. This amino acid position is conserved. In addition, this alteration is predicted to be tolerated by in silico analysis. Based on the available evidence, the clinical significance of this variant remains unclear.

NM_006648.4(WNK2):c.373G>T (p.Gly125Cys)

Gene: WNK2 (WNK lysine deficient protein kinase 2; plus strand). Cytogenetic location: 9q22.31.
Variant type: single nucleotide variant.
Coding change: c.373G>T on transcript NM_006648.4 (MANE Select); coding-DNA position 373, G replaced by T.
Protein change: p.Gly125Cys; replaces glycine 125 with cysteine.
Molecular consequence: missense variant.
Genome position (GRCh38, 1-based): chr9:93,185,302, G>T. VCF-style: chr9-93185302-G-T. GRCh37 (hg19) VCF-style: chr9-95947584-G-T.
Other names: c.373G>T, p.Gly125Cys (NM_001282394.3); short protein forms G125C.
Identifiers: ClinVar variation 3470252 (VCV003470252.1).